The following is an entry in ClinVar:

ClinVar aggregate classification (germline): Uncertain significance (1 of 4 stars; one submission).

Conditions:
Werner syndrome (WRN). Identifiers: Orphanet 902, MedGen C0043119, MONDO:0010196, OMIM 277700.

gnomAD v4.1: 1 of 1,614,068 alleles (0.000062%); highest among the groups gnomAD compares: Non-Finnish European, 0.000085%; no homozygotes.

Submission:

Labcorp Genetics (formerly Invitae), Labcorp
Classification: Uncertain significance for Werner syndrome. Last evaluated: 2024-03-25. Review status: criteria provided, single submitter. Criteria: Invitae Variant Classification Sherloc (09022015). Collection method: clinical testing. Allele origin: germline.
Comment: This sequence change replaces lysine, which is basic and polar, with asparagine, which is neutral and polar, at codon 1420 of the WRN protein (p.Lys1420Asn). This variant is present in population databases (rs774839008, gnomAD 0.0009%). This variant has not been reported in the literature in individuals affected with WRN-related conditions. Algorithms developed to predict the effect of missense changes on protein structure and function output the following: SIFT: "Not Available"; PolyPhen-2: "Benign"; Align-GVGD: "Not Available". The asparagine amino acid residue is found in multiple mammalian species, which suggests that this missense change does not adversely affect protein function. In summary, the available evidence is currently insufficient to determine the role of this variant in disease. Therefore, it has been classified as a Variant of Uncertain Significance.

NM_000553.6(WRN):c.4260A>C (p.Lys1420Asn)

Genes: WRN (WRN RecQ like helicase; plus strand), LOC126860342 (MED14-independent group 3 enhancer GRCh37_chr8:31029565-31030764; plus strand). Cytogenetic location: 8p12.
Variant type: single nucleotide variant.
Coding change: c.4260A>C on transcript NM_000553.6 (MANE Select); coding-DNA position 4260, A replaced by C.
Protein change: p.Lys1420Asn; replaces lysine 1420 with asparagine.
Molecular consequence: missense variant.
Genome position (GRCh38, 1-based): chr8:31,173,063, A>C. VCF-style: chr8-31173063-A-C. GRCh37 (hg19) VCF-style: chr8-31030579-A-C.
Other names: short protein forms K1420N.
Identifiers: ClinVar variation 3647543 (VCV003647543.2).